The following is an entry in ClinVar:

ClinVar aggregate classification (germline): Uncertain significance. Review status: criteria provided, multiple submitters, no conflicts (2 of 4 stars). 2 submissions from 2 submitters: Uncertain significance (2). Last evaluated 2025-04-01.

Conditions:
Inborn genetic diseases. Identifiers: MedGen C0950123, MeSH D030342.

Allele frequency attached by ClinVar (database versions not stated): gnomAD 0.00001; ExAC 0.00002; TOPMed 0.00003; ESP Exome Variant Server 0.00008.
gnomAD v4.1: 9 of 1,614,016 alleles (0.00056%); highest among the groups gnomAD compares: African/African-American, 0.012%; no homozygotes.

Submissions (2):

Ambry Genetics
Classification: Uncertain significance for Inborn genetic diseases. Last evaluated: 2025-04-01. Review status: criteria provided, single submitter. Criteria: Ambry Variant Classification Scheme 2023. Collection method: clinical testing. Allele origin: germline.

Labcorp Genetics (formerly Invitae), Labcorp
Classification: Uncertain significance. Last evaluated: 2020-10-01. Review status: criteria provided, single submitter. Criteria: Invitae Variant Classification Sherloc (09022015). Collection method: clinical testing. Allele origin: germline.
Comment: In summary, the available evidence is currently insufficient to determine the role of this variant in disease. Therefore, it has been classified as a Variant of Uncertain Significance. Algorithms developed to predict the effect of missense changes on protein structure and function are either unavailable or do not agree on the potential impact of this missense change (SIFT: "Tolerated"; PolyPhen-2: "Possibly Damaging"; Align-GVGD: "Class C0"). This variant has not been reported in the literature in individuals with ATF6-related conditions. This variant is present in population databases (rs376187541, ExAC 0.03%). This sequence change replaces alanine with glycine at codon 188 of the ATF6 protein (p.Ala188Gly). The alanine residue is highly conserved and there is a small physicochemical difference between alanine and glycine.

NM_007348.4(ATF6):c.563C>G (p.Ala188Gly)

Gene: ATF6 (activating transcription factor 6; plus strand). Cytogenetic location: 1q23.3.
Variant type: single nucleotide variant.
Coding change: c.563C>G on transcript NM_007348.4 (MANE Select); coding-DNA position 563, C replaced by G.
Protein change: p.Ala188Gly; replaces alanine 188 with glycine.
Molecular consequence: missense variant.
Genome position (GRCh38, 1-based): chr1:161,792,202, C>G. VCF-style: chr1-161792202-C-G. GRCh37 (hg19) VCF-style: chr1-161761992-C-G.
Other names: c.563C>G (NM_007348.3); short protein forms A188G.
Identifiers: ClinVar variation 1037405 (VCV001037405.6), dbSNP rs376187541, ClinGen allele CA1214239.